The following is an entry in ClinVar:

NM_001273.5(CHD4):c.1040G>A (p.Arg347Gln)

Gene: CHD4 (chromodomain helicase DNA binding protein 4; minus strand). Cytogenetic location: 12p13.31.
Variant type: single nucleotide variant.
Coding change: c.1040G>A on transcript NM_001273.5 (MANE Select); coding-DNA position 1040, G replaced by A.
Protein change: p.Arg347Gln; replaces arginine 347 with glutamine.
Molecular consequence: missense variant.
Genome position (GRCh38, 1-based): chr12:6,600,557, C>T on the plus strand (G>A on the coding strand, the complement: CHD4 is on the minus strand). VCF-style: chr12-6600557-C-T. GRCh37 (hg19) VCF-style: chr12-6709723-C-T.
Other names: c.1040G>A (NM_001273.2); c.1019G>A, p.Arg340Gln (NM_001297553.2); c.1040G>A, p.Arg347Gln (NM_001363606.2); short protein forms R347Q, R340Q.
Identifiers: ClinVar variation 1957772 (VCV001957772.6), dbSNP rs2540412258, ClinGen allele CA383601769.
Genomic context (GRCh38, chr12:6,600,557, plus strand): 5'-CCTCATCCCATCACAAATATACAGAAGAGAAACACACCTTTCTTTTTCTTTTTAGTGGTT[C>T]GGAGTTTCTTGCGGCTGCGGCTACTACGGCTGGTGGAACCATCAGAAACAGAATAGCTAT-3'
Protein context (NP_001264.2, residues 337-357): SRSSRSRKKL[Arg347Gln]TTKKKKKGEE

ClinVar aggregate classification (germline): Conflicting classifications of pathogenicity. Review status: criteria provided, conflicting classifications (1 of 4 stars). 2 submissions from 2 submitters: Uncertain significance (1); Benign (1). Last evaluated 2023-03-02.

Allele frequency attached by ClinVar (database versions not stated): gnomAD exomes below 0.00001.
gnomAD v4.1: 1 of 1,611,686 alleles (0.000062%); highest among the groups gnomAD compares: Non-Finnish European, 0.000085%; no homozygotes.

Submissions (2):

GeneDx
Classification: Uncertain significance. Last evaluated: 2023-03-02. Review status: criteria provided, single submitter. Criteria: GeneDx Variant Classification Process June 2021. Collection method: clinical testing. Allele origin: germline. Affected: yes.
Comment: Not observed at significant frequency in large population cohorts (gnomAD); In silico analysis supports that this missense variant does not alter protein structure/function; Has not been previously published as pathogenic or benign to our knowledge; This variant is associated with the following publications: (PMID: 27535533)

Labcorp Genetics (formerly Invitae), Labcorp
Classification: Benign. Last evaluated: 2021-12-19. Review status: criteria provided, single submitter. Criteria: Invitae Variant Classification Sherloc (09022015). Collection method: clinical testing. Allele origin: germline.